The following is an entry in ClinVar:

NM_001378687.1(ATP2C1):c.585T>C (p.Cys195=)

Gene: ATP2C1 (ATPase secretory pathway Ca2+ transporting 1; plus strand). Cytogenetic location: 3q22.1.
Variant type: single nucleotide variant.
Coding change: c.585T>C on transcript NM_001378687.1 (MANE Select); coding-DNA position 585, T replaced by C.
Protein change: p.Cys195=; no amino-acid change (cysteine 195 retained).
Molecular consequence: synonymous variant.
Genome position (GRCh38, 1-based): chr3:130,953,874, T>C. VCF-style: chr3-130953874-T-C. GRCh37 (hg19) VCF-style: chr3-130672718-T-C.
Other names: c.585T>C, p.Cys195= (NM_001001485.3, NM_001001486.2, NM_001001487.2 and 5 more transcripts); c.687T>C, p.Cys229= (NM_001199180.2, NM_001199181.3, NM_001378511.1); c.570T>C, p.Cys190= (NM_001199182.2); c.537T>C, p.Cys179= (NM_001199183.2, NM_001199184.3, NM_001378514.1).
Identifiers: ClinVar variation 343322 (VCV000343322.9), dbSNP rs2760272, ClinGen allele CA2614869.
Genomic context (GRCh38, chr3:130,953,874, plus strand): 5'-CCCTAAGGCTGTGGATCTTTCCATTGATGAGTCCAGCTTGACAGGTGAGACAACGCCTTG[T>C]TCTAAGGTGACAGCTCCTCAGCCAGCTGCAACTAATGGAGATCTTGCATCGAGAAGTAAC-3'
Protein context (NP_001365616.1, residues 185-205): ESSLTGETTP[Cys195=]SKVTAPQPAA

ClinVar aggregate classification (germline): Benign/Likely benign. Review status: criteria provided, multiple submitters, no conflicts (2 of 4 stars). 4 submissions from 4 submitters: Benign (3); Likely benign (1). Last evaluated 2025-02-03.

Conditions:
Familial benign pemphigus (HHD). Identifiers: Orphanet 2841, MedGen C0085106, MONDO:0008218, OMIM 169600.

Allele frequency attached by ClinVar (database versions not stated): 1000 Genomes Project 30x 0.00016; 1000 Genomes Project 0.00020; gnomAD 0.00045; ESP Exome Variant Server 0.00077; gnomAD exomes 0.00086 and 0.00144; TOPMed 0.00088; ExAC 0.00122.
gnomAD v4.1: 1,492 of 1,614,092 alleles (0.092%); highest among the groups gnomAD compares: Middle Eastern, 0.54%; 5 homozygotes.

Submissions (4):

Labcorp Genetics (formerly Invitae), Labcorp
Classification: Benign. Last evaluated: 2025-02-03. Review status: criteria provided, single submitter. Criteria: Invitae Variant Classification Sherloc (09022015). Collection method: clinical testing. Allele origin: germline.

Blueprint Genetics
Classification: Likely benign. Last evaluated: 2024-11-21. Review status: criteria provided, single submitter. Criteria: ACMG Guidelines, 2015. Collection method: clinical testing. Allele origin: germline.

Illumina Laboratory Services, Illumina
Classification: Benign for Familial benign pemphigus. Last evaluated: 2018-01-13. Review status: criteria provided, single submitter. Criteria: ICSL Variant Classification Criteria 13 December 2019. Collection method: clinical testing. Allele origin: germline.
Comment: This variant was observed in the ICSL laboratory as part of a predisposition screen in an ostensibly healthy population. It had not been previously curated by ICSL or reported in the Human Gene Mutation Database (HGMD: prior to June 1st, 2018), and was therefore a candidate for classification through an automated scoring system. Utilizing variant allele frequency, disease prevalence and penetrance estimates, and inheritance mode, an automated score was calculated to assess if this variant is too frequent to cause the disease. Based on the score and internal cut-off values, a variant classified as benign is not then subjected to further curation. The score for this variant resulted in a classification of benign for this disease.

Breakthrough Genomics
Classification: Benign. Review status: criteria provided, single submitter. Criteria: ACMG Guidelines, 2015. Collection method: not provided. Allele origin: germline. Inheritance: Autosomal dominant inheritance. Affected: yes.